The following is an entry in ClinVar:

ClinVar aggregate classification (germline): Uncertain significance. Review status: criteria provided, single submitter (1 of 4 stars). 2 submissions from 2 submitters: Uncertain significance (1). 1 of the submissions does not count toward it. Last evaluated 2021-08-28.

Conditions:
Mucolipidosis type II. Also called: Mucolipidosis 2; ML 2; Inclusion cell disease; Leroy Disease; N-acetylglucosamine 1phosphotransferase deficiency; ML disorder type 2. Identifiers: Orphanet 576, MedGen C2673377, MONDO:0009650, OMIM 252500.
Pseudo-Hurler polydystrophy. Also called: ML IIIA; Mucolipidosis III Alpha/Beta; MUCOLIPIDOSIS IIIA; ML III; ML III ALPHA/BETA; Type III Mucolipidosis. Identifiers: Orphanet 423461, Orphanet 577, MedGen C0033788, MONDO:0018931, OMIM 252600.

Allele frequency attached by ClinVar (database versions not stated): TOPMed below 0.00001; ExAC 0.00001; gnomAD 0.00001; gnomAD exomes 0.00001.
gnomAD v4.1: 7 of 1,613,962 alleles (0.00043%); highest among the groups gnomAD compares: African/African-American, 0.004%; no homozygotes.

Submissions (2):

Labcorp Genetics (formerly Invitae), Labcorp
Classification: Uncertain significance for Pseudo-Hurler polydystrophy; Mucolipidosis type II. Last evaluated: 2021-08-28. Review status: criteria provided, single submitter. Criteria: Invitae Variant Classification Sherloc (09022015). Collection method: clinical testing. Allele origin: germline.
Comment: This sequence change replaces proline with leucine at codon 72 of the GNPTAB protein (p.Pro72Leu). The proline residue is highly conserved and there is a moderate physicochemical difference between proline and leucine. This variant is present in population databases (rs755156585, ExAC 0.001%). This variant has not been reported in the literature in individuals affected with GNPTAB-related conditions. Algorithms developed to predict the effect of missense changes on protein structure and function are either unavailable or do not agree on the potential impact of this missense change (SIFT: "Deleterious"; PolyPhen-2: "Probably Damaging"; Align-GVGD: "Class C0"). In summary, the available evidence is currently insufficient to determine the role of this variant in disease. Therefore, it has been classified as a Variant of Uncertain Significance.

Natera, Inc.
Classification: Uncertain significance for Mucolipidosis type II. Last evaluated: 2020-03-27. Review status: no assertion criteria provided. Collection method: clinical testing. Allele origin: germline. Not counted in ClinVar's aggregate classification.

NM_024312.5(GNPTAB):c.215C>T (p.Pro72Leu)

Gene: GNPTAB (N-acetylglucosamine-1-phosphate transferase subunits alpha and beta; minus strand). Cytogenetic location: 12q23.2.
Variant type: single nucleotide variant.
Coding change: c.215C>T on transcript NM_024312.5 (MANE Select); coding-DNA position 215, C replaced by T.
Protein change: p.Pro72Leu; replaces proline 72 with leucine.
Molecular consequence: missense variant.
Genome position (GRCh38, 1-based): chr12:101,790,046, G>A on the plus strand (C>T on the coding strand, the complement: GNPTAB is on the minus strand). VCF-style: chr12-101790046-G-A. GRCh37 (hg19) VCF-style: chr12-102183824-G-A.
Other names: short protein forms P72L.
Identifiers: ClinVar variation 1022538 (VCV001022538.7), dbSNP rs755156585, ClinGen allele CA6746953.